The following is an entry in ClinVar:

ClinVar aggregate classification (germline): Uncertain significance. Review status: criteria provided, multiple submitters, no conflicts (2 of 4 stars). 2 submissions from 2 submitters: Uncertain significance (2). Last evaluated 2025-08-14.

Conditions:
Inborn genetic diseases. Identifiers: MedGen C0950123, MeSH D030342.
Chédiak-Higashi syndrome (CHS). Also called: Chediak-Higashi Syndrome. Identifiers: Orphanet 167, MedGen C0007965, MONDO:0008963, OMIM 214500.

Allele frequency attached by ClinVar (database versions not stated): gnomAD 0.00001; gnomAD exomes 0.00001; ExAC 0.00002; TOPMed 0.00002; ESP Exome Variant Server 0.00008.
gnomAD v4.1: 12 of 1,613,476 alleles (0.00074%); highest among the groups gnomAD compares: Admixed American, 0.0067%; no homozygotes.

Submissions (2):

Ambry Genetics
Classification: Uncertain significance for Inborn genetic diseases. Last evaluated: 2025-08-14. Review status: criteria provided, single submitter. Criteria: Ambry Variant Classification Scheme 2023. Collection method: clinical testing. Allele origin: germline.

Labcorp Genetics (formerly Invitae), Labcorp
Classification: Uncertain significance for Chédiak-Higashi syndrome. Last evaluated: 2024-05-15. Review status: criteria provided, single submitter. Criteria: Invitae Variant Classification Sherloc (09022015). Collection method: clinical testing. Allele origin: germline.
Comment: This sequence change replaces threonine, which is neutral and polar, with alanine, which is neutral and non-polar, at codon 2572 of the LYST protein (p.Thr2572Ala). This variant is present in population databases (rs371733219, gnomAD 0.006%). This variant has not been reported in the literature in individuals affected with LYST-related conditions. ClinVar contains an entry for this variant (Variation ID: 1984537). Advanced modeling of protein sequence and biophysical properties (such as structural, functional, and spatial information, amino acid conservation, physicochemical variation, residue mobility, and thermodynamic stability) performed at Invitae indicates that this missense variant is not expected to disrupt LYST protein function with a negative predictive value of 80%. In summary, the available evidence is currently insufficient to determine the role of this variant in disease. Therefore, it has been classified as a Variant of Uncertain Significance.

NM_000081.4(LYST):c.7714A>G (p.Thr2572Ala)

Gene: LYST (lysosomal trafficking regulator; minus strand). Cytogenetic location: 1q42.3.
Variant type: single nucleotide variant.
Coding change: c.7714A>G on transcript NM_000081.4 (MANE Select); coding-DNA position 7714, A replaced by G.
Protein change: p.Thr2572Ala; replaces threonine 2572 with alanine.
Molecular consequence: missense variant.
Genome position (GRCh38, 1-based): chr1:235,751,276, T>C on the plus strand (A>G on the coding strand, the complement: LYST is on the minus strand). VCF-style: chr1-235751276-T-C. GRCh37 (hg19) VCF-style: chr1-235914576-T-C.
Other names: c.7714A>G (NM_000081.2); c.7714A>G, p.Thr2572Ala (NM_001301365.1); short protein forms T2572A.
Identifiers: ClinVar variation 1984537 (VCV001984537.4), dbSNP rs371733219, ClinGen allele CA1466064.